The following is an entry in ClinVar:

ClinVar aggregate classification (germline): Uncertain significance (1 of 4 stars; one submission).

gnomAD v4.1: 2 of 1,614,186 alleles (0.00012%); highest among the groups gnomAD compares: Admixed American, 0.0017%; no homozygotes.

Submission:

Labcorp Genetics (formerly Invitae), Labcorp
Classification: Uncertain significance. Last evaluated: 2022-09-27. Review status: criteria provided, single submitter. Criteria: Invitae Variant Classification Sherloc (09022015). Collection method: clinical testing. Allele origin: germline.
Comment: In summary, the available evidence is currently insufficient to determine the role of this variant in disease. Therefore, it has been classified as a Variant of Uncertain Significance. Advanced modeling of protein sequence and biophysical properties (such as structural, functional, and spatial information, amino acid conservation, physicochemical variation, residue mobility, and thermodynamic stability) performed at Invitae indicates that this missense variant is not expected to disrupt CLCN2 protein function. This variant has not been reported in the literature in individuals affected with CLCN2-related conditions. This variant is present in population databases (no rsID available, gnomAD 0.003%). This sequence change replaces alanine, which is neutral and non-polar, with valine, which is neutral and non-polar, at codon 687 of the CLCN2 protein (p.Ala687Val).

NM_004366.6(CLCN2):c.2060C>T (p.Ala687Val)

Gene: CLCN2 (chloride voltage-gated channel 2; minus strand). Cytogenetic location: 3q27.1.
Variant type: single nucleotide variant.
Coding change: c.2060C>T on transcript NM_004366.6 (MANE Select); coding-DNA position 2060, C replaced by T.
Protein change: p.Ala687Val; replaces alanine 687 with valine.
Molecular consequence: missense variant.
Genome position (GRCh38, 1-based): chr3:184,353,116, G>A on the plus strand (C>T on the coding strand, the complement: CLCN2 is on the minus strand). VCF-style: chr3-184353116-G-A. GRCh37 (hg19) VCF-style: chr3-184070904-G-A.
Other names: c.2009C>T, p.Ala670Val (NM_001171087.3); c.1928C>T, p.Ala643Val (NM_001171088.3); c.2060C>T, p.Ala687Val (NM_001171089.3); short protein forms A687V, A670V, A643V.
Identifiers: ClinVar variation 1962659 (VCV001962659.5), dbSNP rs750904094, ClinGen allele CA355448019.